The following is an entry in ClinVar:

NM_145331.3(MAP3K7):c.1155C>T (p.Gly385=)

Gene: MAP3K7 (mitogen-activated protein kinase kinase kinase 7; minus strand). Cytogenetic location: 6q15.
Variant type: single nucleotide variant.
Coding change: c.1155C>T on transcript NM_145331.3 (MANE Select); coding-DNA position 1155, C replaced by T.
Protein change: p.Gly385=; no amino-acid change (glycine 385 retained).
Molecular consequence: synonymous variant.
Genome position (GRCh38, 1-based): chr6:90,547,313, G>A on the plus strand (C>T on the coding strand, the complement: MAP3K7 is on the minus strand). VCF-style: chr6-90547313-G-A. GRCh37 (hg19) VCF-style: chr6-91257032-G-A.
Other names: c.1155C>T, p.Gly385= (NM_003188.4, NM_145332.3, NM_145333.3).
Identifiers: ClinVar variation 2088396 (VCV002088396.4), dbSNP rs750197247, ClinGen allele CA3928459.
Genomic context (GRCh38, chr6:90,547,313, plus strand): 5'-TTTACCTGTGGTTGCGGCGATCCTAGCTTCTATTTCAGACATGTCAGCACTCATCCTCTT[G>A]CCCTCAGAGGTTGGGGGCAAGCTCTCCACACTGCTCCCACGGGAGGCTCCCAAGCTTAAA-3'
Protein context (NP_663304.1, residues 375-395): SVESLPPTSE[Gly385=]KRMSADMSEI

ClinVar aggregate classification (germline): Uncertain significance (1 of 4 stars; one submission).

Allele frequency attached by ClinVar (database versions not stated): gnomAD 0.00001; gnomAD exomes 0.00001; TOPMed 0.00001; ExAC 0.00002.
gnomAD v4.1: 7 of 1,612,742 alleles (0.00043%); highest among the groups gnomAD compares: Admixed American, 0.005%; no homozygotes.

Submission:

Labcorp Genetics (formerly Invitae), Labcorp
Classification: Uncertain significance. Last evaluated: 2024-11-11. Review status: criteria provided, single submitter. Criteria: Invitae Variant Classification Sherloc (09022015). Collection method: clinical testing. Allele origin: germline.
Comment: This sequence change affects codon 385 of the MAP3K7 mRNA. It is a 'silent' change, meaning that it does not change the encoded amino acid sequence of the MAP3K7 protein. This variant is present in population databases (rs750197247, gnomAD 0.009%). This variant has not been reported in the literature in individuals affected with MAP3K7-related conditions. ClinVar contains an entry for this variant (Variation ID: 2088396). Algorithms developed to predict the effect of sequence changes on RNA splicing suggest that this variant may create or strengthen a splice site. In summary, the available evidence is currently insufficient to determine the role of this variant in disease. Therefore, it has been classified as a Variant of Uncertain Significance.